The following is an entry in ClinVar:

ClinVar aggregate classification (germline): Uncertain significance (1 of 4 stars; one submission).

Conditions:
Epileptic encephalopathy. Identifiers: MedGen C0543888, HP:0200134.

Allele frequency attached by ClinVar (database versions not stated): TOPMed 0.00003; ExAC 0.00004; gnomAD 0.00002.
gnomAD v4.1: 34 of 1,613,614 alleles (0.0021%); highest among the groups gnomAD compares: Admixed American, 0.02%; no homozygotes.

Submission:

Labcorp Genetics (formerly Invitae), Labcorp
Classification: Uncertain significance for Epileptic encephalopathy. Last evaluated: 2020-11-17. Review status: criteria provided, single submitter. Criteria: Invitae Variant Classification Sherloc (09022015). Collection method: clinical testing. Allele origin: germline.
Comment: This sequence change replaces arginine with cysteine at codon 3562 of the RYR3 protein (p.Arg3562Cys). The arginine residue is moderately conserved and there is a large physicochemical difference between arginine and cysteine. The frequency data for this variant in the population databases is considered unreliable, as metrics indicate poor data quality at this position in the ExAC database. This variant has not been reported in the literature in individuals with RYR3-related disease. Algorithms developed to predict the effect of missense changes on protein structure and function do not agree on the potential impact of this missense change (SIFT: "Deleterious"; PolyPhen-2: "Possibly Damaging"; Align-GVGD: "Class C0"). In summary, the available evidence is currently insufficient to determine the role of this variant in disease. Therefore, it has been classified as a Variant of Uncertain Significance.

NM_001036.6(RYR3):c.10684C>T (p.Arg3562Cys)

Gene: RYR3 (ryanodine receptor 3; plus strand). Cytogenetic location: 15q14.
Variant type: single nucleotide variant.
Coding change: c.10684C>T on transcript NM_001036.6 (MANE Select); coding-DNA position 10684, C replaced by T.
Protein change: p.Arg3562Cys; replaces arginine 3562 with cysteine.
Molecular consequence: missense variant.
Genome position (GRCh38, 1-based): chr15:33,818,662, C>T. VCF-style: chr15-33818662-C-T. GRCh37 (hg19) VCF-style: chr15-34110863-C-T.
Other names: c.10669C>T, p.Arg3557Cys (NM_001243996.4); short protein forms R3562C, R3557C.
Identifiers: ClinVar variation 531061 (VCV000531061.11), dbSNP rs779158082, ClinGen allele CA7460917.
Genomic context (GRCh38, chr15:33,818,662, plus strand): 5'-GAGGAGGAAGAGACAGAAAAACAACCTGACCCACTACATCAGATCATTCTCTATTTTAGC[C>T]GCAACGCTCTCACGGAGAGGAGGTCAGAACCACCAGCTCACCTGCTTCTCCCAGGCACCA-3'
Protein context (NP_001027.3, residues 3552-3572): PLHQIILYFS[Arg3562Cys]NALTERSKLE